The following is an entry in ClinVar:

NM_001458.5(FLNC):c.3862G>T (p.Val1288Leu)

Gene: FLNC (filamin C; plus strand). Cytogenetic location: 7q32.1.
Variant type: single nucleotide variant.
Coding change: c.3862G>T on transcript NM_001458.5 (MANE Select); coding-DNA position 3862, G replaced by T.
Protein change: p.Val1288Leu; replaces valine 1288 with leucine.
Molecular consequence: missense variant.
Genome position (GRCh38, 1-based): chr7:128,846,061, G>T. VCF-style: chr7-128846061-G-T. GRCh37 (hg19) VCF-style: chr7-128486115-G-T.
Other names: c.3862G>T, p.Val1288Leu (NM_001127487.2); short protein forms V1288L.
Identifiers: ClinVar variation 4614197 (VCV004614197.1).

ClinVar aggregate classification (germline): Uncertain significance (1 of 4 stars; one submission).

Conditions:
Cardiovascular phenotype. Identifiers: MedGen CN230736.

Submission:

Ambry Genetics
Classification: Uncertain significance for Cardiovascular phenotype. Last evaluated: 2025-11-02. Review status: criteria provided, single submitter. Criteria: Ambry Variant Classification Scheme 2023. Collection method: clinical testing. Allele origin: germline.
Comment: The p.V1288L variant (also known as c.3862G>T), located in coding exon 22 of the FLNC gene, results from a G to T substitution at nucleotide position 3862. The valine at codon 1288 is replaced by leucine, an amino acid with highly similar properties. This amino acid position is conserved. In addition, this alteration is predicted to be tolerated by in silico analysis. Based on the available evidence, the clinical significance of this variant remains unclear.